The following is an entry in ClinVar:

ClinVar aggregate classification (germline): Uncertain significance (1 of 4 stars; one submission).

Allele frequency attached by ClinVar (database versions not stated): TOPMed below 0.00001; ExAC 0.00001; gnomAD exomes 0.00001; gnomAD 0.00003.
gnomAD v4.1: 20 of 1,605,408 alleles (0.0012%); highest among the groups gnomAD compares: Non-Finnish European, 0.0017%; no homozygotes.

Submission:

Labcorp Genetics (formerly Invitae), Labcorp
Classification: Uncertain significance. Last evaluated: 2018-04-23. Review status: criteria provided, single submitter. Criteria: Invitae Variant Classification Sherloc (09022015). Collection method: clinical testing. Allele origin: germline.
Comment: This sequence change replaces glutamine with arginine at codon 943 of the PLEKHM2 protein (p.Gln943Arg). The glutamine residue is highly conserved and there is a small physicochemical difference between glutamine and arginine. The frequency data for this variant in the population databases is considered unreliable, as metrics indicate poor data quality at this position in the ExAC database. This variant has not been reported in the literature in individuals with PLEKHM2-related disease. Algorithms developed to predict the effect of missense changes on protein structure and function (SIFT, PolyPhen-2, Align-GVGD) all suggest that this variant is likely to be tolerated, but these predictions have not been confirmed by published functional studies and their clinical significance is uncertain. In summary, the available evidence is currently insufficient to determine the role of this variant in disease. Therefore, it has been classified as a Variant of Uncertain Significance.

NM_015164.4(PLEKHM2):c.2828A>G (p.Gln943Arg)

Gene: PLEKHM2 (pleckstrin homology and RUN domain containing M2; plus strand). Cytogenetic location: 1p36.21.
Variant type: single nucleotide variant.
Coding change: c.2828A>G on transcript NM_015164.4 (MANE Select); coding-DNA position 2828, A replaced by G.
Protein change: p.Gln943Arg; replaces glutamine 943 with arginine.
Molecular consequence: missense variant.
Genome position (GRCh38, 1-based): chr1:15,732,634, A>G. VCF-style: chr1-15732634-A-G. GRCh37 (hg19) VCF-style: chr1-16059129-A-G.
Other names: short protein forms Q943R.
Identifiers: ClinVar variation 582325 (VCV000582325.8), dbSNP rs761674764, ClinGen allele CA617372.